The following is an entry in ClinVar:

NM_001605.3(AARS1):c.2822C>G (p.Thr941Arg)

Gene: AARS1 (alanyl-tRNA synthetase 1; minus strand). Cytogenetic location: 16q22.1.
Variant type: single nucleotide variant.
Coding change: c.2822C>G on transcript NM_001605.3 (MANE Select); coding-DNA position 2822, C replaced by G.
Protein change: p.Thr941Arg; replaces threonine 941 with arginine.
Molecular consequence: missense variant.
Genome position (GRCh38, 1-based): chr16:70,252,806, G>C on the plus strand (C>G on the coding strand, the complement: AARS1 is on the minus strand). VCF-style: chr16-70252806-G-C. GRCh37 (hg19) VCF-style: chr16-70286709-G-C.
Other names: short protein forms T941R.
Identifiers: ClinVar variation 2907519 (VCV002907519.3), dbSNP rs1162296420, ClinGen allele CA396554354.

ClinVar aggregate classification (germline): Uncertain significance (1 of 4 stars; one submission).

Conditions:
Charcot-Marie-Tooth disease type 2. Also called: Charcot-Marie-Tooth type 2. Identifiers: Orphanet 64746, MedGen C0270914, MONDO:0018993.

gnomAD v4.1: 1 of 1,614,228 alleles (0.000062%); highest among the groups gnomAD compares: African/African-American, 0.0013%; no homozygotes.

Submission:

Labcorp Genetics (formerly Invitae), Labcorp
Classification: Uncertain significance for Charcot-Marie-Tooth disease type 2. Last evaluated: 2023-02-03. Review status: criteria provided, single submitter. Criteria: Invitae Variant Classification Sherloc (09022015). Collection method: clinical testing. Allele origin: germline.
Comment: This variant is not present in population databases (gnomAD no frequency). This sequence change replaces threonine, which is neutral and polar, with arginine, which is basic and polar, at codon 941 of the AARS protein (p.Thr941Arg). This variant has not been reported in the literature in individuals affected with AARS-related conditions. Advanced modeling of protein sequence and biophysical properties (such as structural, functional, and spatial information, amino acid conservation, physicochemical variation, residue mobility, and thermodynamic stability) performed at Invitae indicates that this missense variant is not expected to disrupt AARS protein function. In summary, the available evidence is currently insufficient to determine the role of this variant in disease. Therefore, it has been classified as a Variant of Uncertain Significance.